The following is an entry in ClinVar:

ClinVar aggregate classification (germline): Uncertain significance. Review status: criteria provided, multiple submitters, no conflicts (2 of 4 stars). 3 submissions from 3 submitters: Uncertain significance (3). Last evaluated 2025-10-01.

Conditions:
Neuroblastoma, susceptibility to, 3. Also called: ALK-Related Neuroblastic Tumor Susceptibility. Identifiers: Orphanet 635, MedGen C2751681, MONDO:0013083, OMIM 613014.
Hereditary cancer-predisposing syndrome. Also called: Hereditary neoplastic syndrome; Neoplastic Syndromes, Hereditary; Hereditary Cancer Syndrome; Tumor predisposition. Identifiers: Orphanet 140162, MedGen C0027672, MeSH D009386, MONDO:0015356.

Submissions (3):

Labcorp Genetics (formerly Invitae), Labcorp
Classification: Uncertain significance for Neuroblastoma, susceptibility to, 3. Last evaluated: 2025-10-01. Review status: criteria provided, single submitter. Criteria: Invitae Variant Classification Sherloc (09022015). Collection method: clinical testing. Allele origin: germline.
Comment: This sequence change replaces proline, which is neutral and non-polar, with histidine, which is basic and polar, at codon 40 of the ALK protein (p.Pro40His). This variant is not present in population databases (gnomAD no frequency). This variant has not been reported in the literature in individuals affected with ALK-related conditions. ClinVar contains an entry for this variant (Variation ID: 569493). An algorithm developed to predict the effect of missense changes on protein structure and function (PolyPhen-2) suggests that this variant is likely to be disruptive. In summary, the available evidence is currently insufficient to determine the role of this variant in disease. Therefore, it has been classified as a Variant of Uncertain Significance.

Ambry Genetics
Classification: Uncertain significance for Hereditary cancer-predisposing syndrome. Last evaluated: 2025-07-11. Review status: criteria provided, single submitter. Criteria: Ambry Variant Classification Scheme 2023. Collection method: clinical testing. Allele origin: germline.
Comment: The p.P40H variant (also known as c.119C>A), located in coding exon 1 of the ALK gene, results from a C to A substitution at nucleotide position 119. The proline at codon 40 is replaced by histidine, an amino acid with similar properties. This amino acid position is well conserved in available vertebrate species. In addition, the in silico prediction for this alteration is inconclusive. Based on the available evidence, the clinical significance of this variant remains unclear.

GeneDx
Classification: Uncertain significance. Last evaluated: 2024-07-17. Review status: criteria provided, single submitter. Criteria: GeneDx Variant Classification Process June 2021. Collection method: clinical testing. Allele origin: germline. Affected: yes.
Comment: Not observed at significant frequency in large population cohorts (gnomAD); In silico analysis indicates that this missense variant does not alter protein structure/function; Has not been previously published as pathogenic or benign to our knowledge; This variant is associated with the following publications: (PMID: 33868464)

NM_004304.5(ALK):c.119C>A (p.Pro40His)

Gene: ALK (ALK receptor tyrosine kinase; minus strand). Cytogenetic location: 2p23.1.
Variant type: single nucleotide variant.
Coding change: c.119C>A on transcript NM_004304.5 (MANE Select); coding-DNA position 119, C replaced by A.
Protein change: p.Pro40His; replaces proline 40 with histidine.
Molecular consequence: missense variant.
Genome position (GRCh38, 1-based): chr2:29,920,541, G>T on the plus strand (C>A on the coding strand, the complement: ALK is on the minus strand). VCF-style: chr2-29920541-G-T. GRCh37 (hg19) VCF-style: chr2-30143407-G-T.
Other names: short protein forms P40H.
Identifiers: ClinVar variation 569493 (VCV000569493.12), dbSNP rs200212200, ClinGen allele CA346590661.